The following is an entry in ClinVar:

NM_021120.4(DLG3):c.788G>A (p.Gly263Glu)

Gene: DLG3 (discs large MAGUK scaffold protein 3; plus strand). Cytogenetic location: Xq13.1.
Variant type: single nucleotide variant.
Coding change: c.788G>A on transcript NM_021120.4 (MANE Select); coding-DNA position 788, G replaced by A.
Protein change: p.Gly263Glu; replaces glycine 263 with glutamic acid.
Molecular consequence: missense variant.
Genome position (GRCh38, 1-based): chrX:70,450,253, G>A. VCF-style: chrX-70450253-G-A. GRCh37 (hg19) VCF-style: chrX-69670103-G-A.
Other names: short protein forms G263E.
Identifiers: ClinVar variation 836081 (VCV000836081.9), dbSNP rs144839135, ClinGen allele CA330991657.

ClinVar aggregate classification (germline): Uncertain significance (1 of 4 stars; one submission).

Allele frequency attached by ClinVar (database versions not stated): gnomAD 0.00001; TOPMed 0.00001; ESP Exome Variant Server 0.00009.

Submission:

Labcorp Genetics (formerly Invitae), Labcorp
Classification: Uncertain significance. Last evaluated: 2019-03-12. Review status: criteria provided, single submitter. Criteria: Invitae Variant Classification Sherloc (09022015). Collection method: clinical testing. Allele origin: germline.
Comment: In summary, the available evidence is currently insufficient to determine the role of this variant in disease. Therefore, it has been classified as a Variant of Uncertain Significance. Algorithms developed to predict the effect of missense changes on protein structure and function are either unavailable or do not agree on the potential impact of this missense change (SIFT: "Deleterious"; PolyPhen-2: "Benign"; Align-GVGD: "Class C65"). This variant is not present in population databases (ExAC no frequency). This sequence change replaces glycine with glutamic acid at codon 263 of the DLG3 protein (p.Gly263Glu). The glycine residue is highly conserved and there is a moderate physicochemical difference between glycine and glutamic acid.